The following is an entry in ClinVar:

ClinVar aggregate classification (germline): Conflicting classifications of pathogenicity. Review status: criteria provided, conflicting classifications (1 of 4 stars). 4 submissions from 4 submitters: Uncertain significance (3); Likely benign (1). Last evaluated 2024-10-03.

Conditions:
Catecholaminergic polymorphic ventricular tachycardia 1. Also called: VENTRICULAR TACHYCARDIA, CATECHOLAMINERGIC POLYMORPHIC, 1, WITH OR WITHOUT ATRIAL DYSFUNCTION AND/OR DILATED CARDIOMYOPATHY; VENTRICULAR TACHYCARDIA, STRESS-INDUCED POLYMORPHIC 1; RYR2-Related Catecholaminergic Polymorphic Ventricular Tachycardia. Identifiers: Orphanet 3286, MedGen C1631597, MONDO:0011484, OMIM 604772.
Cardiovascular phenotype. Identifiers: MedGen CN230736.
Catecholaminergic polymorphic ventricular tachycardia (CVPT). Also called: Catecholamine-induced polymorphic ventricular tachycardia. Identifiers: Orphanet 3286, MedGen C5574922, MONDO:0017990.
Cardiomyopathy (CMYO). Also called: Cardiomyopathies. Identifiers: Orphanet 167848, MedGen C0878544, MONDO:0004994, HP:0001638. Inheritance: Various modes of inheritance.

Allele frequency attached by ClinVar (database versions not stated): ExAC 0.00001; gnomAD 0.00001; TOPMed 0.00001; gnomAD exomes 0.00002.
gnomAD v4.1: 12 of 1,613,636 alleles (0.00074%); highest among the groups gnomAD compares: East Asian, 0.0022%; no homozygotes.

Submissions (4):

Ambry Genetics
Classification: Likely benign for Cardiovascular phenotype. Last evaluated: 2024-10-03. Review status: criteria provided, single submitter. Criteria: Ambry Variant Classification Scheme 2023. Collection method: clinical testing. Allele origin: germline.

All of Us Research Program, National Institutes of Health
Classification: Uncertain significance for Catecholaminergic polymorphic ventricular tachycardia. Last evaluated: 2023-11-02. Review status: criteria provided, single submitter. Criteria: ACMG Guidelines, 2015. Collection method: clinical testing. Allele origin: germline. Inheritance: Autosomal dominant inheritance. Observed: 2 variant alleles, 2 heterozygotes.
Comment: This missense variant replaces histidine with arginine at codon 4552 of the RYR2 protein. Computational prediction suggests that this variant may not impact protein structure and function (internally defined REVEL score threshold <= 0.5, PMID: 27666373). Splice site prediction tools suggest that this variant may not impact RNA splicing. To our knowledge, functional studies have not been performed for this variant. This variant has been reported in an individual affected with sudden unexplained death (PMID: 25500949). This variant has been identified in 4/248552 chromosomes in the general population by the Genome Aggregation Database (gnomAD). The available evidence is insufficient to determine the role of this variant in disease conclusively. Therefore, this variant is classified as a Variant of Uncertain Significance.

This study involves interpretation of variants in research participants for the purpose of population health screening. Participant phenotype was not available at the time of variant classification. Additional details can be found in publication PMID: 35346344, PMCID: PMC8962531

Color Diagnostics, LLC DBA Color Health
Classification: Uncertain significance for Cardiomyopathy. Last evaluated: 2023-04-28. Review status: criteria provided, single submitter. Criteria: ACMG Guidelines, 2015. Collection method: clinical testing. Allele origin: germline.
Comment: This missense variant replaces histidine with arginine at codon 4552 of the RYR2 protein. Computational prediction suggests that this variant may not impact protein structure and function (internally defined REVEL score threshold <= 0.5, PMID: 27666373). To our knowledge, functional studies have not been performed for this variant. This variant has been reported in an individual affected with sudden unexplained death (PMID: 25500949). This variant has been identified in 4/248552 chromosomes in the general population by the Genome Aggregation Database (gnomAD). The available evidence is insufficient to determine the role of this variant in disease conclusively. Therefore, this variant is classified as a Variant of Uncertain Significance.

Labcorp Genetics (formerly Invitae), Labcorp
Classification: Uncertain significance for Catecholaminergic polymorphic ventricular tachycardia 1. Last evaluated: 2022-02-23. Review status: criteria provided, single submitter. Criteria: Invitae Variant Classification Sherloc (09022015). Collection method: clinical testing. Allele origin: germline.
Comment: This sequence change replaces histidine, which is basic and polar, with arginine, which is basic and polar, at codon 4552 of the RYR2 protein (p.His4552Arg). This variant is present in population databases (rs768299786, gnomAD 0.009%). This missense change has been observed in individual(s) with clinical features of RYR2-related conditions (PMID: 25500949). ClinVar contains an entry for this variant (Variation ID: 927585). Advanced modeling of protein sequence and biophysical properties (such as structural, functional, and spatial information, amino acid conservation, physicochemical variation, residue mobility, and thermodynamic stability) performed at Invitae indicates that this missense variant is not expected to disrupt RYR2 protein function. In summary, the available evidence is currently insufficient to determine the role of this variant in disease. Therefore, it has been classified as a Variant of Uncertain Significance.

Literature cited by the submitters: PubMed 25500949 (cited by 4 submitters); PubMed 32152366 (cited by Ambry Genetics).

NM_001035.3(RYR2):c.13655A>G (p.His4552Arg)

Gene: RYR2 (ryanodine receptor 2; plus strand). Cytogenetic location: 1q43.
Variant type: single nucleotide variant.
Coding change: c.13655A>G on transcript NM_001035.3 (MANE Select); coding-DNA position 13655, A replaced by G.
Protein change: p.His4552Arg; replaces histidine 4552 with arginine.
Molecular consequence: missense variant.
Genome position (GRCh38, 1-based): chr1:237,792,196, A>G. VCF-style: chr1-237792196-A-G. GRCh37 (hg19) VCF-style: chr1-237955496-A-G.
Other names: c.13655A>G (NM_001035.2); short protein forms H4552R.
Identifiers: ClinVar variation 927585 (VCV000927585.8), dbSNP rs768299786, ClinGen allele CA085429.